The following is an entry in ClinVar:

ClinVar aggregate classification (germline): Uncertain significance (1 of 4 stars; one submission).

Submission:

Ambry Genetics
Classification: Uncertain significance. Last evaluated: 2024-05-24. Review status: criteria provided, single submitter. Criteria: Ambry Variant Classification Scheme 2023. Collection method: clinical testing. Allele origin: germline.
Comment: The p.S479I variant (also known as c.1436G>T), located in coding exon 6 of the PALLD gene, results from a G to T substitution at nucleotide position 1436. The serine at codon 479 is replaced by isoleucine, an amino acid with dissimilar properties. This amino acid position is conserved. In addition, this alteration is predicted to be tolerated by in silico analysis. Based on the available evidence, the clinical significance of this variant remains unclear.

NM_001166108.2(PALLD):c.1436G>T (p.Ser479Ile)

Gene: PALLD (palladin, cytoskeletal associated protein; plus strand). Cytogenetic location: 4q32.3.
Variant type: single nucleotide variant.
Coding change: c.1436G>T on transcript NM_001166108.2 (MANE Select); coding-DNA position 1436, G replaced by T.
Protein change: p.Ser479Ile; replaces serine 479 with isoleucine.
Molecular consequence: missense variant.
Genome position (GRCh38, 1-based): chr4:168,690,703, G>T. VCF-style: chr4-168690703-G-T. GRCh37 (hg19) VCF-style: chr4-169611854-G-T.
Other names: c.290G>T, p.Ser97Ile (NM_001166109.2); c.1436G>T, p.Ser479Ile (NM_016081.4); short protein forms S479I, S97I.
Identifiers: ClinVar variation 3304101 (VCV003304101.1).